The following is an entry in ClinVar:

ClinVar aggregate classification (germline): Uncertain significance (1 of 4 stars; one submission).

Conditions:
Primary ciliary dyskinesia. Also called: Ciliary dyskinesia. Identifiers: Orphanet 244, MedGen C0008780, MONDO:0016575, HP:0012265.

Submission:

Labcorp Genetics (formerly Invitae), Labcorp
Classification: Uncertain significance for Primary ciliary dyskinesia. Last evaluated: 2019-12-20. Review status: criteria provided, single submitter. Criteria: Invitae Variant Classification Sherloc (09022015). Collection method: clinical testing. Allele origin: germline.
Comment: In summary, the available evidence is currently insufficient to determine the role of this variant in disease. Therefore, it has been classified as a Variant of Uncertain Significance. Algorithms developed to predict the effect of missense changes on protein structure and function are either unavailable or do not agree on the potential impact of this missense change (SIFT: "Deleterious"; PolyPhen-2: "Possibly Damaging"; Align-GVGD: "Class C0"). This variant has not been reported in the literature in individuals with DNAH5-related conditions. This variant is not present in population databases (ExAC no frequency). This sequence change replaces threonine with proline at codon 2309 of the DNAH5 protein (p.Thr2309Pro). The threonine residue is highly conserved and there is a small physicochemical difference between threonine and proline.

NM_001369.3(DNAH5):c.6925A>C (p.Thr2309Pro)

Gene: DNAH5 (dynein axonemal heavy chain 5; minus strand). Cytogenetic location: 5p15.2.
Variant type: single nucleotide variant.
Coding change: c.6925A>C on transcript NM_001369.3 (MANE Select); coding-DNA position 6925, A replaced by C.
Protein change: p.Thr2309Pro; replaces threonine 2309 with proline.
Molecular consequence: missense variant.
Genome position (GRCh38, 1-based): chr5:13,817,611, T>G on the plus strand (A>C on the coding strand, the complement: DNAH5 is on the minus strand). VCF-style: chr5-13817611-T-G. GRCh37 (hg19) VCF-style: chr5-13817720-T-G.
Other names: short protein forms T2309P.
Identifiers: ClinVar variation 853461 (VCV000853461.10), dbSNP rs1761613337, ClinGen allele CA359192904.